The following is an entry in ClinVar:

NM_000122.2(ERCC3):c.2303C>T (p.Ala768Val)

Gene: ERCC3 (ERCC excision repair 3, TFIIH core complex helicase subunit; minus strand). Cytogenetic location: 2q14.3.
Variant type: single nucleotide variant.
Coding change: c.2303C>T on transcript NM_000122.2 (MANE Select); coding-DNA position 2303, C replaced by T.
Protein change: p.Ala768Val; replaces alanine 768 with valine.
Molecular consequence: missense variant.
Genome position (GRCh38, 1-based): chr2:127,257,642, G>A on the plus strand (C>T on the coding strand, the complement: ERCC3 is on the minus strand). VCF-style: chr2-127257642-G-A. GRCh37 (hg19) VCF-style: chr2-128015218-G-A.
Other names: c.2111C>T, p.Ala704Val (NM_001303416.2, NM_001303418.2); short protein forms A768V, A704V.
Identifiers: ClinVar variation 134123 (VCV000134123.6), dbSNP rs372094432, ClinGen allele CA158836.

ClinVar aggregate classification (germline): Uncertain significance. Review status: criteria provided, single submitter (1 of 4 stars). 2 submissions from 2 submitters: Uncertain significance (1). 1 of the submissions does not count toward it. Last evaluated 2021-09-01.

Allele frequency attached by ClinVar (database versions not stated): gnomAD exomes 0.00001; gnomAD 0.00002 and 0.00003.
gnomAD v4.1: 21 of 1,614,040 alleles (0.0013%); highest among the groups gnomAD compares: East Asian, 0.031%; no homozygotes.

Submissions (2):

Labcorp Genetics (formerly Invitae), Labcorp
Classification: Uncertain significance. Last evaluated: 2021-09-01. Review status: criteria provided, single submitter. Criteria: Invitae Variant Classification Sherloc (09022015). Collection method: clinical testing. Allele origin: germline.
Comment: This sequence change replaces alanine with valine at codon 768 of the ERCC3 protein (p.Ala768Val). The alanine residue is moderately conserved and there is a small physicochemical difference between alanine and valine. This variant is not present in population databases (ExAC no frequency). This variant has not been reported in the literature in individuals affected with ERCC3-related conditions. ClinVar contains an entry for this variant (Variation ID: 134123). Algorithms developed to predict the effect of missense changes on protein structure and function (SIFT, PolyPhen-2, Align-GVGD) all suggest that this variant is likely to be tolerated. Algorithms developed to predict the effect of sequence changes on RNA splicing suggest that this variant may create or strengthen a splice site. In summary, the available evidence is currently insufficient to determine the role of this variant in disease. Therefore, it has been classified as a Variant of Uncertain Significance.

ITMI
No classification provided. Condition: AllHighlyPenetrant. Last evaluated: 2013-09-19. Review status: no classification provided. Collection method: reference population. Allele origin: germline. Not counted in ClinVar's aggregate classification.
Comment: Please see associated publication for description of ethnicities

Literature cited by the submitters: PubMed 24728327 (cited by ITMI).